The following is an entry in ClinVar:

NM_004453.4(ETFDH):c.359A>G (p.Asp120Gly)

Gene: ETFDH (electron transfer flavoprotein dehydrogenase; plus strand). Cytogenetic location: 4q32.1.
Variant type: single nucleotide variant.
Coding change: c.359A>G on transcript NM_004453.4 (MANE Select); coding-DNA position 359, A replaced by G.
Protein change: p.Asp120Gly; replaces aspartic acid 120 with glycine.
Molecular consequence: missense variant.
Genome position (GRCh38, 1-based): chr4:158,682,378, A>G. VCF-style: chr4-158682378-A-G. GRCh37 (hg19) VCF-style: chr4-159603530-A-G.
Other names: c.218A>G, p.Asp73Gly (NM_001281737.2); c.176A>G, p.Asp59Gly (NM_001281738.1); short protein forms D59G, D120G, D73G.
Identifiers: ClinVar variation 1046618 (VCV001046618.6), dbSNP rs1773885189, ClinGen allele CA358574436.
Genomic context (GRCh38, chr4:158,682,378, plus strand): 5'-TGTGTCTAGTGGAGAAAGCTGCCCAGATAGGAGCTCATACTCTCTCAGGGGCTTGCCTTG[A>G]TCCAGGTGCTTTTAAAGAACTCTTCCCAGACTGGAAAGAGAAGGGGGTATGAAAAATTGT-3'
Protein context (NP_004444.2, residues 110-130): GAHTLSGACL[Asp120Gly]PGAFKELFPD

ClinVar aggregate classification (germline): Uncertain significance (1 of 4 stars; one submission).

Conditions:
Multiple acyl-CoA dehydrogenase deficiency (MADD). Also called: Glutaric aciduria, type 2; Glutaric acidemia type II; GA 2; ETHYLMALONIC-ADIPICACIDURIA; GA II; Glutaric Acidemia type 2. Identifiers: Orphanet 26791, MedGen C0268596, MONDO:0009282, OMIM 231680.

Submission:

Labcorp Genetics (formerly Invitae), Labcorp
Classification: Uncertain significance for Multiple acyl-CoA dehydrogenase deficiency. Last evaluated: 2022-10-24. Review status: criteria provided, single submitter. Criteria: Invitae Variant Classification Sherloc (09022015). Collection method: clinical testing. Allele origin: germline.
Comment: This sequence change replaces aspartic acid, which is acidic and polar, with glycine, which is neutral and non-polar, at codon 120 of the ETFDH protein (p.Asp120Gly). This variant is not present in population databases (gnomAD no frequency). This variant has not been reported in the literature in individuals affected with ETFDH-related conditions. ClinVar contains an entry for this variant (Variation ID: 1046618). Advanced modeling of protein sequence and biophysical properties (such as structural, functional, and spatial information, amino acid conservation, physicochemical variation, residue mobility, and thermodynamic stability) has been performed at Invitae for this missense variant, however the output from this modeling did not meet the statistical confidence thresholds required to predict the impact of this variant on ETFDH protein function. In summary, the available evidence is currently insufficient to determine the role of this variant in disease. Therefore, it has been classified as a Variant of Uncertain Significance.